The following is an entry in ClinVar:

NM_000090.4(COL3A1):c.1270G>T (p.Ala424Ser)

Gene: COL3A1 (collagen type III alpha 1 chain; plus strand). Cytogenetic location: 2q32.2.
Variant type: single nucleotide variant.
Coding change: c.1270G>T on transcript NM_000090.4 (MANE Select); coding-DNA position 1270, G replaced by T.
Protein change: p.Ala424Ser; replaces alanine 424 with serine.
Molecular consequence: missense variant.
Genome position (GRCh38, 1-based): chr2:188,994,309, G>T. VCF-style: chr2-188994309-G-T. GRCh37 (hg19) VCF-style: chr2-189859035-G-T.
Other names: short protein forms A424S.
Identifiers: ClinVar variation 2149847 (VCV002149847.5), dbSNP rs965228005, ClinGen allele CA62595433.

ClinVar aggregate classification (germline): Uncertain significance. Review status: criteria provided, multiple submitters, no conflicts (2 of 4 stars). 3 submissions from 3 submitters: Uncertain significance (3). Last evaluated 2026-09-25.

Conditions:
COL3A1-related disorder. Also called: COL3A1-related condition.
Ehlers-Danlos syndrome, type 4 (EDSVASC). Also called: Ehlers-Danlos syndrome vascular type; Ehlers Danlos syndrome, ecchymotic type; Ehlers Danlos syndrome, arterial type; Ehlers Danlos syndrome, Sack-Barabas type; Ehlers-Danlos Syndrome Type IV. Identifiers: Orphanet 286, MedGen C0268338, MONDO:0017314, OMIM 130050.
Familial thoracic aortic aneurysm and aortic dissection (TAAD). Also called: Thoracic aortic aneurysms and dissections. Identifiers: Orphanet 91387, MedGen C4707243, MONDO:0019625.

Allele frequency attached by ClinVar (database versions not stated): gnomAD 0.00001; TOPMed 0.00001.
gnomAD v4.1: 2 of 1,613,630 alleles (0.00012%); highest among the groups gnomAD compares: African/African-American, 0.0027%; no homozygotes.

Submissions (3):

PreventionGenetics, part of Exact Sciences
Classification: Uncertain significance for COL3A1-related condition. Last evaluated: 2026-09-25. Review status: criteria provided, single submitter. Criteria: ACMG Guidelines, 2015. Collection method: clinical testing. Allele origin: germline.
Comment: The COL3A1 c.1270G>T variant is predicted to result in the amino acid substitution p.Ala424Ser. To our knowledge, this variant has not been reported in the literature or in a large population database (gnomAD), indicating this variant is rare. The majority of documented causative missense variants in COL3A1 substitute a glycine residue to another amino acid in the Gly-X-Y triple helical domain (Pepin et al. 2014. PubMed ID: 24922459). This variant does not alter a glycine residue. Without additional information the significance of this variant remains uncertain.

Color Diagnostics, LLC DBA Color Health
Classification: Uncertain significance for Familial thoracic aortic aneurysm and aortic dissection. Last evaluated: 2025-09-14. Review status: criteria provided, single submitter. Criteria: ACMG Guidelines, 2015. Collection method: clinical testing. Allele origin: germline.
Comment: This missense variant replaces alanine with serine at codon 424 of the COL3A1 protein. Computational prediction suggests that this variant may not impact protein structure and function. To our knowledge, functional studies have not been reported for this variant. This variant has not been reported in individuals affected with COL3A1-related disorders in the literature. This variant has not been identified in the general population by the Genome Aggregation Database (gnomAD). The available evidence is insufficient to determine the role of this variant in disease conclusively. Therefore, this variant is classified as a Variant of Uncertain Significance.

Labcorp Genetics (formerly Invitae), Labcorp
Classification: Uncertain significance for Ehlers-Danlos syndrome, type 4. Last evaluated: 2025-03-25. Review status: criteria provided, single submitter. Criteria: Invitae Variant Classification Sherloc (09022015). Collection method: clinical testing. Allele origin: germline.
Comment: This sequence change replaces alanine, which is neutral and non-polar, with serine, which is neutral and polar, at codon 424 of the COL3A1 protein (p.Ala424Ser). This variant is not present in population databases (gnomAD no frequency). This variant has not been reported in the literature in individuals affected with COL3A1-related conditions. ClinVar contains an entry for this variant (Variation ID: 2149847). Invitae Evidence Modeling of protein sequence and biophysical properties (such as structural, functional, and spatial information, amino acid conservation, physicochemical variation, residue mobility, and thermodynamic stability) indicates that this missense variant is not expected to disrupt COL3A1 protein function with a negative predictive value of 95%. In summary, the available evidence is currently insufficient to determine the role of this variant in disease. Therefore, it has been classified as a Variant of Uncertain Significance.